The following is an entry in ClinVar:

NM_006231.4(POLE):c.5393T>C (p.Met1798Thr)

Gene: POLE (DNA polymerase epsilon, catalytic subunit; minus strand). Cytogenetic location: 12q24.33.
Variant type: single nucleotide variant.
Coding change: c.5393T>C on transcript NM_006231.4 (MANE Select); coding-DNA position 5393, T replaced by C.
Protein change: p.Met1798Thr; replaces methionine 1798 with threonine.
Molecular consequence: missense variant.
Genome position (GRCh38, 1-based): chr12:132,639,284, A>G on the plus strand (T>C on the coding strand, the complement: POLE is on the minus strand). VCF-style: chr12-132639284-A-G. GRCh37 (hg19) VCF-style: chr12-133215870-A-G.
Other names: short protein forms M1798T.
Identifiers: ClinVar variation 1747238 (VCV001747238.7), dbSNP rs2138511297, ClinGen allele CA387375104.

ClinVar aggregate classification (germline): Uncertain significance. Review status: criteria provided, multiple submitters, no conflicts (2 of 4 stars). 2 submissions from 2 submitters: Uncertain significance (2). Last evaluated 2025-10-09.

Conditions:
Hereditary cancer-predisposing syndrome. Also called: Hereditary Cancer Syndrome; Neoplastic Syndromes, Hereditary; Tumor predisposition; Hereditary neoplastic syndrome. Identifiers: Orphanet 140162, MedGen C0027672, MeSH D009386, MONDO:0015356.

Allele frequency attached by ClinVar (database versions not stated): gnomAD exomes below 0.00001.

Submissions (2):

Labcorp Genetics (formerly Invitae), Labcorp
Classification: Uncertain significance. Last evaluated: 2025-10-09. Review status: criteria provided, single submitter. Criteria: Invitae Variant Classification Sherloc (09022015). Collection method: clinical testing. Allele origin: germline.
Comment: This sequence change replaces methionine, which is neutral and non-polar, with threonine, which is neutral and polar, at codon 1798 of the POLE protein (p.Met1798Thr). This variant is not present in population databases (gnomAD no frequency). This variant has not been reported in the literature in individuals affected with POLE-related conditions. ClinVar contains an entry for this variant (Variation ID: 1747238). Invitae Evidence Modeling of protein sequence and biophysical properties (such as structural, functional, and spatial information, amino acid conservation, physicochemical variation, residue mobility, and thermodynamic stability) indicates that this missense variant is not expected to disrupt POLE protein function with a negative predictive value of 80%. In summary, the available evidence is currently insufficient to determine the role of this variant in disease. Therefore, it has been classified as a Variant of Uncertain Significance.

Ambry Genetics
Classification: Uncertain significance for Hereditary cancer-predisposing syndrome. Last evaluated: 2021-10-25. Review status: criteria provided, single submitter. Criteria: Ambry Variant Classification Scheme 2023. Collection method: clinical testing. Allele origin: germline.
Comment: The p.M1798T variant (also known as c.5393T>C), located in coding exon 40 of the POLE gene, results from a T to C substitution at nucleotide position 5393. The methionine at codon 1798 is replaced by threonine, an amino acid with similar properties. This amino acid position is conserved. In addition, this alteration is predicted to be deleterious by in silico analysis. Since supporting evidence is limited at this time, the clinical significance of this alteration remains unclear.